The following is an entry in ClinVar:

NM_001267550.2(TTN):c.37421T>C (p.Ile12474Thr)

Gene: TTN (titin; minus strand). Cytogenetic location: 2q31.2.
Variant type: single nucleotide variant.
Coding change: c.37421T>C on transcript NM_001267550.2 (MANE Select); coding-DNA position 37421, T replaced by C.
Protein change: p.Ile12474Thr; replaces isoleucine 12474 with threonine.
Molecular consequence: missense variant. On other transcripts: intron variant (3).
Genome position (GRCh38, 1-based): chr2:178,659,037, A>G on the plus strand (T>C on the coding strand, the complement: TTN is on the minus strand). VCF-style: chr2-178659037-A-G. GRCh37 (hg19) VCF-style: chr2-179523764-A-G.
Other names: c.13283-16720T>C (NM_003319.4); c.13859-16720T>C (NM_133437.4); c.13658-16720T>C (NM_133432.3); c.34490T>C, p.Ile11497Thr (NM_001256850.1); c.31709T>C, p.Ile10570Thr (NM_133378.4); short protein forms I10570T, I12474T, I11497T.
Identifiers: ClinVar variation 166094 (VCV000166094.15), dbSNP rs72650057, ClinGen allele CA178887.
Genomic context (GRCh38, chr2:178,659,037, plus strand): 5'-CCTATAGTTTGTATAGCTTTGGCATTACCTTCAGGGGGAGGACTTTCCGGTTTGGGAGGA[A>G]TAGCTTCAGGCACCTTCTTTTCTGGGACAGCTGCCTTTGGCACCTCTGGGACTTTAAAGA-3'
Protein context (NP_001254479.2, residues 12464-12484): AVPEKKVPEA[Ile12474Thr]PPKPESPPPE

ClinVar aggregate classification (germline): Conflicting classifications of pathogenicity. Review status: criteria provided, conflicting classifications (1 of 4 stars). 6 submissions from 6 submitters: Uncertain significance (4); Likely benign (1). 1 of the submissions does not count toward it. Last evaluated 2026-05-07.

Conditions:
TTN-related disorder. Also called: TTN-related condition; TTN-related disease; TTN-related disorders.
Dilated cardiomyopathy 1G (CMD1G). Identifiers: Orphanet 154, MedGen C1858763, MONDO:0011400, OMIM 604145.
Autosomal recessive limb-girdle muscular dystrophy type 2J (LGMDR10). Also called: Limb-girdle muscular dystrophy, type 2J; MUSCULAR DYSTROPHY, LIMB-GIRDLE, AUTOSOMAL RECESSIVE 10. Identifiers: Orphanet 140922, MedGen C1837342, MONDO:0012127, OMIM 608807.

Allele frequency attached by ClinVar (database versions not stated): 1000 Genomes Project 30x 0.00047.

Submissions (6):

PreventionGenetics, part of Exact Sciences
Classification: Uncertain significance for TTN-related condition. Last evaluated: 2026-05-07. Review status: criteria provided, single submitter. Criteria: ACMG Guidelines, 2015. Collection method: clinical testing. Allele origin: germline.
Comment: The TTN c.37421T>C variant is predicted to result in the amino acid substitution p.Ile12474Thr. This variant has been reported in one stillbirth case (Merc et al. 2024. PubMed ID: 38813989). This variant is reported in 0.047% of alleles in individuals of Latino descent in gnomAD. This variant falls within a highly paralogous region. Allele frequency data should be interpreted with caution. At this time, the clinical significance of this variant is uncertain due to the absence of conclusive functional and genetic evidence.

Revvity Omics, Revvity
Classification: Uncertain significance. Last evaluated: 2023-02-04. Review status: criteria provided, single submitter. Criteria: ACMG Guidelines, 2015. Collection method: clinical testing. Allele origin: germline.

GeneDx
Classification: Likely benign. Last evaluated: 2018-01-03. Review status: criteria provided, single submitter. Criteria: GeneDx Variant Classification (06012015). Collection method: clinical testing. Allele origin: germline. Affected: yes.
Comment: This variant is considered likely benign or benign based on one or more of the following criteria: it is a conservative change, it occurs at a poorly conserved position in the protein, it is predicted to be benign by multiple in silico algorithms, and/or has population frequency not consistent with disease.

Labcorp Genetics (formerly Invitae), Labcorp
Classification: Uncertain significance for Dilated cardiomyopathy 1G; Autosomal recessive limb-girdle muscular dystrophy type 2J. Last evaluated: 2017-12-27. Review status: criteria provided, single submitter. Criteria: Invitae Variant Classification Sherloc (09022015). Collection method: clinical testing. Allele origin: germline.

Eurofins Ntd Llc (ga)
Classification: Uncertain significance. Last evaluated: 2016-12-02. Review status: criteria provided, single submitter. Criteria: EGL Classification Definitions 2015. Collection method: clinical testing. Allele origin: germline. Observed: 4 variant alleles, 2 heterozygotes.

Laboratory for Molecular Medicine, Mass General Brigham Personalized Medicine
No classification provided. Last evaluated: 2013-01-30. Review status: no classification provided. Collection method: clinical testing. Allele origin: germline. Observed: 4 variant alleles. Not counted in ClinVar's aggregate classification.